The following is an entry in ClinVar:

ClinVar aggregate classification (germline): Uncertain significance (1 of 4 stars; one submission).

Allele frequency attached by ClinVar (database versions not stated): TOPMed 0.00002; gnomAD exomes 0.00003; ExAC 0.00004.
gnomAD v4.1: 15 of 1,613,784 alleles (0.00093%); highest among the groups gnomAD compares: Admixed American, 0.025%; no homozygotes.

Submission:

Labcorp Genetics (formerly Invitae), Labcorp
Classification: Uncertain significance. Last evaluated: 2022-08-03. Review status: criteria provided, single submitter. Criteria: Invitae Variant Classification Sherloc (09022015). Collection method: clinical testing. Allele origin: germline.
Comment: In summary, the available evidence is currently insufficient to determine the role of this variant in disease. Therefore, it has been classified as a Variant of Uncertain Significance. Algorithms developed to predict the effect of missense changes on protein structure and function are either unavailable or do not agree on the potential impact of this missense change (SIFT: "Tolerated"; PolyPhen-2: "Probably Damaging"; Align-GVGD: "Class C0"). This variant has not been reported in the literature in individuals affected with VPS13D-related conditions. This variant is present in population databases (rs751395719, gnomAD 0.04%). This sequence change replaces proline, which is neutral and non-polar, with leucine, which is neutral and non-polar, at codon 166 of the VPS13D protein (p.Pro166Leu).

NM_015378.4(VPS13D):c.497C>T (p.Pro166Leu)

Gene: VPS13D (vacuolar protein sorting 13 homolog D; plus strand). Cytogenetic location: 1p36.22.
Variant type: single nucleotide variant.
Coding change: c.497C>T on transcript NM_015378.4 (MANE Select); coding-DNA position 497, C replaced by T.
Protein change: p.Pro166Leu; replaces proline 166 with leucine.
Molecular consequence: missense variant.
Genome position (GRCh38, 1-based): chr1:12,249,272, C>T. VCF-style: chr1-12249272-C-T. GRCh37 (hg19) VCF-style: chr1-12309329-C-T.
Other names: c.497C>T, p.Pro166Leu (NM_018156.4); short protein forms P166L.
Identifiers: ClinVar variation 1980068 (VCV001980068.2), dbSNP rs751395719, ClinGen allele CA601235.